The following is an entry in ClinVar:

NM_015512.5(DNAH1):c.5028del (p.Cys1677fs)

Gene: DNAH1 (dynein axonemal heavy chain 1; plus strand). Cytogenetic location: 3p21.1.
Variant type: Deletion.
Coding change: c.5028del on transcript NM_015512.5 (MANE Select); coding-DNA position 5028, one base deleted (C; older notation c.5028delC).
Protein change: p.Cys1677fs; shifts the reading frame from cysteine 1677.
Molecular consequence: frameshift variant.
Genome position (GRCh38, 1-based): chr3:52,362,435, C deleted; the last of 2 consecutive C bases (chr3:52,362,434-52,362,435); deleting either gives the same sequence. VCF-style (leftmost placement, unchanged base first): chr3-52362433-TC-T. GRCh37 (hg19) VCF-style: chr3-52396449-TC-T.
Other names: short protein forms C1677fs.
Identifiers: ClinVar variation 4796620 (VCV004796620.1).
Genomic context (GRCh38, chr3:52,362,433, plus strand): 5'-CTCTCCCCACTGCAGGTGGAACGCTTCATGTTTGAGGGTGTGGAGATCCCACTGGTGCCA[TC>T]CTGCGCAGTGTTTATCACCATGAACCCGGGCTACGCTGGCCGCACGGAGCTGCCTGACAA-3'

ClinVar aggregate classification (germline): Likely pathogenic (1 of 4 stars; one submission).

Conditions:
Spermatogenic failure 18. Identifiers: MedGen C4539783, MONDO:0054615, OMIM 617576.
Ciliary dyskinesia, primary, 37 (CILD37). Also called: CILIARY DYSKINESIA, PRIMARY, 37, WITH OR WITHOUT SITUS INVERSUS. Identifiers: MedGen C4539798, MONDO:0033204, OMIM 617577.

Submission:

Juno Genomics, Hangzhou Juno Genomics, Inc
Classification: Likely pathogenic for Ciliary dyskinesia, primary, 37; Spermatogenic failure 18. Review status: criteria provided, single submitter. Criteria: ACMG Guidelines, 2015. Collection method: clinical testing. Allele origin: germline. Affected: yes.
Comment: Absent from controls (or at extremely low frequency if recessive) in Genome Aggregation Database, Exome Sequencing Project, 1000 Genomes Project, or Exome Aggregation Consortium.;Null variant in a gene where loss of function (LOF) is a known mechanism of disease.